The following is an entry in ClinVar:

ClinVar aggregate classification (germline): Uncertain significance (1 of 4 stars; one submission).

Allele frequency attached by ClinVar (database versions not stated): TOPMed below 0.00001; gnomAD 0.00001 and 0.00003; gnomAD exomes 0.00001 and 0.00002; ExAC 0.00003; 1000 Genomes Project 30x 0.00031; 1000 Genomes Project 0.00040.

Submission:

Labcorp Genetics (formerly Invitae), Labcorp
Classification: Uncertain significance. Last evaluated: 2022-07-31. Review status: criteria provided, single submitter. Criteria: Invitae Variant Classification Sherloc (09022015). Collection method: clinical testing. Allele origin: germline.
Comment: This sequence change replaces arginine, which is basic and polar, with cysteine, which is neutral and slightly polar, at codon 314 of the GPR179 protein (p.Arg314Cys). This variant is present in population databases (rs560322011, gnomAD 0.01%). This variant has not been reported in the literature in individuals affected with GPR179-related conditions. ClinVar contains an entry for this variant (Variation ID: 1392344). Algorithms developed to predict the effect of missense changes on protein structure and function are either unavailable or do not agree on the potential impact of this missense change (SIFT: "Deleterious"; PolyPhen-2: "Possibly Damaging"; Align-GVGD: "Class C0"). In summary, the available evidence is currently insufficient to determine the role of this variant in disease. Therefore, it has been classified as a Variant of Uncertain Significance.

NM_001004334.4(GPR179):c.940C>T (p.Arg314Cys)

Gene: GPR179 (G protein-coupled receptor 179; minus strand). Cytogenetic location: 17q12.
Variant type: single nucleotide variant.
Coding change: c.940C>T on transcript NM_001004334.4 (MANE Select); coding-DNA position 940, C replaced by T.
Protein change: p.Arg314Cys; replaces arginine 314 with cysteine.
Molecular consequence: missense variant.
Genome position (GRCh38, 1-based): chr17:38,337,684, G>A on the plus strand (C>T on the coding strand, the complement: GPR179 is on the minus strand). VCF-style: chr17-38337684-G-A. GRCh37 (hg19) VCF-style: chr17-36493567-G-A.
Other names: short protein forms R314C.
Identifiers: ClinVar variation 1392344 (VCV001392344.5), dbSNP rs560322011, ClinGen allele CA290109656.